The following is an entry in ClinVar:

ClinVar aggregate classification (germline): Uncertain significance. Review status: criteria provided, multiple submitters, no conflicts (2 of 4 stars). 2 submissions from 2 submitters: Uncertain significance (2). Last evaluated 2025-03-20.

Conditions:
Primary ciliary dyskinesia. Also called: Ciliary dyskinesia. Identifiers: Orphanet 244, MedGen C0008780, MONDO:0016575, HP:0012265.
Primary ciliary dyskinesia 23 (CILD23). Also called: CILIARY DYSKINESIA, PRIMARY, 23, WITH OR WITHOUT SITUS INVERSUS. Identifiers: Orphanet 244, MedGen C3809548, MONDO:0014193, OMIM 615451.

Allele frequency attached by ClinVar (database versions not stated): ExAC 0.00001; gnomAD exomes 0.00001; TOPMed 0.00001.
gnomAD v4.1: 21 of 1,614,180 alleles (0.0013%); highest among the groups gnomAD compares: East Asian, 0.0022%; no homozygotes.

Submissions (2):

Ambry Genetics
Classification: Uncertain significance for Primary ciliary dyskinesia. Last evaluated: 2025-03-20. Review status: criteria provided, single submitter. Criteria: Ambry Variant Classification Scheme 2023. Collection method: clinical testing. Allele origin: germline.

Labcorp Genetics (formerly Invitae), Labcorp
Classification: Uncertain significance for Primary ciliary dyskinesia 23. Last evaluated: 2021-02-24. Review status: criteria provided, single submitter. Criteria: Invitae Variant Classification Sherloc (09022015). Collection method: clinical testing. Allele origin: germline.
Comment: This variant has not been reported in the literature in individuals with ARMC4-related conditions. This variant is present in population databases (rs746173842, ExAC 0.006%). This sequence change replaces arginine with cysteine at codon 948 of the ARMC4 protein (p.Arg948Cys). The arginine residue is weakly conserved and there is a large physicochemical difference between arginine and cysteine. In summary, the available evidence is currently insufficient to determine the role of this variant in disease. Therefore, it has been classified as a Variant of Uncertain Significance. Algorithms developed to predict the effect of missense changes on protein structure and function output the following: SIFT: "Tolerated"; PolyPhen-2: "Benign"; Align-GVGD: "Class C0". The cysteine amino acid residue is found in multiple mammalian species, suggesting that this missense change does not adversely affect protein function. These predictions have not been confirmed by published functional studies and their clinical significance is uncertain.

NM_018076.5(ODAD2):c.2842C>T (p.Arg948Cys)

Gene: ODAD2 (outer dynein arm docking complex subunit 2; minus strand). Cytogenetic location: 10p12.1.
Variant type: single nucleotide variant.
Coding change: c.2842C>T on transcript NM_018076.5 (MANE Select); coding-DNA position 2842, C replaced by T.
Protein change: p.Arg948Cys; replaces arginine 948 with cysteine.
Molecular consequence: missense variant.
Genome position (GRCh38, 1-based): chr10:27,860,804, G>A on the plus strand (C>T on the coding strand, the complement: ODAD2 is on the minus strand). VCF-style: chr10-27860804-G-A. GRCh37 (hg19) VCF-style: chr10-28149733-G-A.
Other names: c.2842C>T, p.Arg948Cys (NM_001290020.2); c.1417C>T, p.Arg473Cys (NM_001290021.2); c.1918C>T, p.Arg640Cys (NM_001312689.2); c.2842C>T (NM_018076.2); short protein forms R473C, R640C, R948C.
Identifiers: ClinVar variation 1681343 (VCV001681343.7), dbSNP rs746173842, ClinGen allele CA5453085.
Genomic context (GRCh38, chr10:27,860,804, plus strand): 5'-GTGGAGCCACTGCTTTGTGCTCACCGAAGGCCACTCTATTCCTGCCCCACATACAGCAAC[G>A]TGAAATAGCTTCTGCTAGATGATGTCTCAATTTATTGTTATTCTGTGCAAGGGAAAATGA-3'
Protein context (NP_060546.2, residues 938-958): LRHHLAEAIS[Arg948Cys]CCMWGRNRVA